The following is an entry in ClinVar:

NM_080425.4(GNAS):c.677T>C (p.Phe226Ser)

Gene: GNAS (GNAS complex locus; plus strand). Cytogenetic location: 20q13.32.
Variant type: single nucleotide variant.
Coding change: c.677T>C on transcript NM_080425.4 (MANE Plus Clinical); coding-DNA position 677, T replaced by C.
Protein change: p.Phe226Ser; replaces phenylalanine 226 with serine.
Molecular consequence: missense variant. On other transcripts: synonymous variant (2), intron variant (3).
Genome position (GRCh38, 1-based): chr20:58,853,942, T>C. VCF-style: chr20-58853942-T-C. GRCh37 (hg19) VCF-style: chr20-57428997-T-C.
Other names: c.490T>C, p.Leu164= (NM_001077490.3, NM_001309883.1); c.677T>C, p.Phe226Ser (NM_001410913.1); c.*42+13056T>C (NM_016592.5); c.43+13056T>C (NM_001410912.1); c.-39+12067T>C (NM_001309861.2); short protein forms F226S.
Identifiers: ClinVar variation 2634205 (VCV002634205.3), dbSNP rs777917817, ClinGen allele CA9926519.
Genomic context (GRCh38, chr20:58,853,942, plus strand): 5'-GGCCTGCAAAGGCTGGCTCCAGAGGAGGCTACAGCCCTCCCCCTGAGGAGACTATGCCAT[T>C]TGAGCTTGATGGAGAAGGATTTGGGGACGACAGCCCACCCCCGGGGCTTTCCCGAGTTAT-3'
Protein context (NP_536350.2, residues 216-236): YSPPPEETMP[Phe226Ser]ELDGEGFGDD

ClinVar aggregate classification (germline): Uncertain significance (1 of 4 stars; one submission).

Conditions:
GNAS-related disorder. Identifiers: MedGen CN380105.

Allele frequency attached by ClinVar (database versions not stated): gnomAD 0.00001; TOPMed 0.00003; ExAC 0.00004.
gnomAD v4.1: 34 of 1,611,760 alleles (0.0021%); highest among the groups gnomAD compares: Admixed American, 0.013%; no homozygotes.

Submission:

PreventionGenetics, part of Exact Sciences
Classification: Uncertain significance for GNAS-related condition. Last evaluated: 2026-05-28. Review status: criteria provided, single submitter. Criteria: ACMG Guidelines, 2015. Collection method: clinical testing. Allele origin: germline.
Comment: The GNAS c.677T>C variant is predicted to result in the amino acid substitution p.Phe226Ser. In the primary transcript (NM_000516.5), this variant is found within a non-coding region (c.-37785T>C). To our knowledge, this variant has not been reported in the literature. This variant is reported in 0.015% of alleles in individuals of Latino descent in gnomAD, which may be too common to be a primary cause of disease. Although we suspect that this variant may be benign, at this time, the clinical significance of this variant is uncertain due to the absence of conclusive functional and genetic evidence.